The following is an entry in ClinVar:

ClinVar aggregate classification (germline): Uncertain significance (1 of 4 stars; one submission).

Conditions:
Charcot-Marie-Tooth disease type 2. Also called: Charcot-Marie-Tooth type 2. Identifiers: Orphanet 64746, MedGen C0270914, MONDO:0018993.

Submission:

Labcorp Genetics (formerly Invitae), Labcorp
Classification: Uncertain significance for Charcot-Marie-Tooth disease type 2. Last evaluated: 2022-07-12. Review status: criteria provided, single submitter. Criteria: Invitae Variant Classification Sherloc (09022015). Collection method: clinical testing. Allele origin: germline.
Comment: This variant has not been reported in the literature in individuals affected with BSCL2-related conditions. ClinVar contains an entry for this variant (Variation ID: 952793). Algorithms developed to predict the effect of missense changes on protein structure and function (SIFT, PolyPhen-2, Align-GVGD) all suggest that this variant is likely to be tolerated. Algorithms developed to predict the effect of sequence changes on RNA splicing suggest that this variant may create or strengthen a splice site. In summary, the available evidence is currently insufficient to determine the role of this variant in disease. Therefore, it has been classified as a Variant of Uncertain Significance. This variant is not present in population databases (gnomAD no frequency). This sequence change replaces histidine, which is basic and polar, with glutamine, which is neutral and polar, at codon 219 of the BSCL2 protein (p.His219Gln).

NM_001122955.4(BSCL2):c.849C>G (p.His283Gln)

Genes: HNRNPUL2-BSCL2 (HNRNPUL2-BSCL2 readthrough (NMD candidate); minus strand), BSCL2 (BSCL2 lipid droplet biogenesis associated, seipin; minus strand). Cytogenetic location: 11q12.3.
Variant type: single nucleotide variant.
Coding change: c.849C>G on transcript NM_001122955.4 (MANE Select); coding-DNA position 849, C replaced by G.
Protein change: p.His283Gln; replaces histidine 283 with glutamine.
Molecular consequence: missense variant. On other transcripts: non-coding transcript variant (1).
Genome position (GRCh38, 1-based): chr11:62,692,390, G>C on the plus strand (C>G on the coding strand, the complement: BSCL2 is on the minus strand). VCF-style: chr11-62692390-G-C. GRCh37 (hg19) VCF-style: chr11-62459862-G-C.
Other names: c.657C>G, p.His219Gln (NM_001130702.2, NM_032667.6); c.849C>G, p.His283Gln (NM_001386027.1, NM_001386028.1); short protein forms H283Q, H219Q.
Identifiers: ClinVar variation 952793 (VCV000952793.9), dbSNP rs911982128, ClinGen allele CA223631215.